The following is an entry in ClinVar:

NM_024753.5(TTC21B):c.2378A>G (p.Tyr793Cys)

Gene: TTC21B (tetratricopeptide repeat domain 21B; minus strand). Cytogenetic location: 2q24.3.
Variant type: single nucleotide variant.
Coding change: c.2378A>G on transcript NM_024753.5 (MANE Select); coding-DNA position 2378, A replaced by G.
Protein change: p.Tyr793Cys; replaces tyrosine 793 with cysteine.
Molecular consequence: missense variant.
Genome position (GRCh38, 1-based): chr2:165,911,410, T>C on the plus strand (A>G on the coding strand, the complement: TTC21B is on the minus strand). VCF-style: chr2-165911410-T-C. GRCh37 (hg19) VCF-style: chr2-166767920-T-C.
Other names: short protein forms Y793C.
Identifiers: ClinVar variation 1011088 (VCV001011088.11), dbSNP rs763158250, ClinGen allele CA1941845.
Genomic context (GRCh38, chr2:165,911,410, plus strand): 5'-TGAAGAACTTTTTCTGCTTTGTCATACCATTTCAATTTTAATAAGAGCTCAGCCAGGTCA[T>C]AGCAAAGATAATTCTTTTGTCCAGTTTTCAGAGCAGCTTCATAGTAAGTGATTGCCTAAA-3'
Protein context (NP_079029.3, residues 783-803): LKTGQKNYLC[Tyr793Cys]DLAELLLKLK

ClinVar aggregate classification (germline): Conflicting classifications of pathogenicity. Review status: criteria provided, conflicting classifications (1 of 4 stars). 4 submissions from 4 submitters: Uncertain significance (3); Likely benign (1). Last evaluated 2026-07-08.

Conditions:
TTC21B-related disorder. Also called: TTC21B-related condition; TTC21B-related disorders.
Nephronophthisis 12 (NPHP12). Identifiers: Orphanet 655, MedGen C3151186, MONDO:0013442, OMIM 613820.
Asphyxiating thoracic dystrophy 4 (SRTD4). Also called: SHORT-RIB THORACIC DYSPLASIA 4 WITH OR WITHOUT POLYDACTYLY; SHORT-RIB THORACIC DYSPLASIA 4. Identifiers: Orphanet 474, MedGen C3151185, MONDO:0013441, OMIM 613819.
Jeune thoracic dystrophy. Also called: Short-rib thoracic dysplasia; Jeune syndrome; Infantile thoracic dystrophy; Thoracic pelvic phalangeal dystrophy; Jeune's syndrome; Chondroectodermal dysplasia-like syndrome. Identifiers: Orphanet 474, MedGen C0265275, MONDO:0018770.
Nephronophthisis. Also called: Juvenile Nephronophthisis. Identifiers: Orphanet 655, MedGen C0687120, MONDO:0019005, HP:0000090.

Allele frequency attached by ClinVar (database versions not stated): gnomAD 0.00005 and 0.00006; TOPMed 0.00006; gnomAD exomes 0.00001 and 0.00004; ExAC 0.00005.
gnomAD v4.1: 23 of 1,613,800 alleles (0.0014%); highest among the groups gnomAD compares: African/African-American, 0.015%; no homozygotes.

Submissions (4):

PreventionGenetics, part of Exact Sciences
Classification: Uncertain significance for TTC21B-related condition. Last evaluated: 2026-07-08. Review status: criteria provided, single submitter. Criteria: ACMG Guidelines, 2015. Collection method: clinical testing. Allele origin: germline.
Comment: The TTC21B c.2378A>G variant is predicted to result in the amino acid substitution p.Tyr793Cys. To our knowledge, this variant has not been reported in the literature. This variant is reported in 0.028% of alleles in individuals of African descent in gnomAD. At this time, the clinical significance of this variant is uncertain due to the absence of conclusive functional and genetic evidence.

Labcorp Genetics (formerly Invitae), Labcorp
Classification: Likely benign for Jeune thoracic dystrophy; Nephronophthisis. Last evaluated: 2025-04-16. Review status: criteria provided, single submitter. Criteria: Invitae Variant Classification Sherloc (09022015). Collection method: clinical testing. Allele origin: germline.

Fulgent Genetics
Classification: Uncertain significance for Asphyxiating thoracic dystrophy 4; Nephronophthisis 12. Last evaluated: 2024-06-06. Review status: criteria provided, single submitter. Criteria: ACMG Guidelines, 2015. Collection method: clinical testing. Allele origin: germline.

GeneDx
Classification: Uncertain significance. Last evaluated: 2020-10-29. Review status: criteria provided, single submitter. Criteria: GeneDx Variant Classification Process June 2021. Collection method: clinical testing. Allele origin: germline. Affected: yes.
Comment: In silico analysis supports that this missense variant does not alter protein structure/function; Has not been previously published as pathogenic or benign to our knowledge